The following is an entry in ClinVar:

ClinVar aggregate classification (germline): Uncertain significance. Review status: criteria provided, multiple submitters, no conflicts (2 of 4 stars). 2 submissions from 2 submitters: Uncertain significance (2). Last evaluated 2024-01-16.

Conditions:
Cortical dysplasia, complex, with other brain malformations 13. Also called: Intellectual disability, autosomal dominant 13. Identifiers: MedGen C3281202, MONDO:0013805, OMIM 614563.

Allele frequency attached by ClinVar (database versions not stated): gnomAD exomes 0.00001.
gnomAD v4.1: 3 of 1,613,666 alleles (0.00019%); highest among the groups gnomAD compares: Admixed American, 0.0033%; no homozygotes.

Submissions (2):

Institute for Clinical Genetics, University Hospital TU Dresden, University Hospital TU Dresden
Classification: Uncertain significance for Cortical dysplasia, complex, with other brain malformations 13. Last evaluated: 2024-01-16. Review status: criteria provided, single submitter. Criteria: ACMG Guidelines, 2015. Collection method: clinical testing. Allele origin: germline. Affected: yes.
Comment: The missense variant in the DYNC1H1 gene (NM_001376.5:c.294C>A, p.(Phe98Leu)) leads to an amino acid exchange at position 98 in the corresponding protein due to a base exchange at position 294 of the mRNA. This variant is classified once in the ClinVar database as a variant of unclear significance. Empirically, the gene shows an increased sensitivity to missense variants (Z-score 16.05). The variant found here is located in the stem domain, where most variants for neuromuscular diseases are located (PMID: 32656949). Variants associated with intellectual disability, cortical malformations and autism are primarily located in the motor domain. Bioinformatic prediction algorithms estimate the effect of the variant on protein function to be insignificant (REVEL score 0.285), which has not yet been confirmed by functional studies. In the gnomAD database, this variant has been found 3 times heterozygous in healthy individuals. According to current ACMG recommendations for variant evaluation (PMID 25741868), the criteria PM2_SUP, PP2 and BP4 are fulfilled, resulting in an evaluation as a variant of unclear significance (ACMG class 3).

GeneDx
Classification: Uncertain significance. Last evaluated: 2017-02-20. Review status: criteria provided, single submitter. Criteria: GeneDx Variant Classification (06012015). Collection method: clinical testing. Allele origin: germline. Affected: yes.
Comment: The F98L variant in the DYNC1H1 gene has not been reported previously as a pathogenic variant, nor as a benign variant, to our knowledge. The F98L variant was not observed in approximately 6,500 individuals of European and African American ancestry in the NHLBI Exome Sequencing Project, indicating it is not a common benign variant in these populations. The F98L variant is a conservative amino acid substitution, which occurs at a position within the Stem region that is conserved in mammals. However, in silico analysis is inconsistent in its predictions as to whether or not the variant is damaging to the protein structure/function. We interpret F98L as a variant of uncertain significance.

NM_001376.5(DYNC1H1):c.294C>A (p.Phe98Leu)

Gene: DYNC1H1 (dynein cytoplasmic 1 heavy chain 1; plus strand). Cytogenetic location: 14q32.31.
Variant type: single nucleotide variant.
Coding change: c.294C>A on transcript NM_001376.5 (MANE Select); coding-DNA position 294, C replaced by A.
Protein change: p.Phe98Leu; replaces phenylalanine 98 with leucine.
Molecular consequence: missense variant.
Genome position (GRCh38, 1-based): chr14:101,975,749, C>A. VCF-style: chr14-101975749-C-A. GRCh37 (hg19) VCF-style: chr14-102442086-C-A.
Other names: short protein forms F98L.
Identifiers: ClinVar variation 421539 (VCV000421539.3), dbSNP rs1064795200, ClinGen allele CA16619822.